The following is an entry in ClinVar:

ClinVar aggregate classification (germline): Likely pathogenic. Review status: criteria provided, multiple submitters, no conflicts (2 of 4 stars). 3 submissions from 3 submitters: Likely pathogenic (3). Last evaluated 2019-05-28.

Conditions:
Hypertrophic cardiomyopathy 1 (CMH1). Also called: MYH7-Related Familial Hypertrophic Cardiomyopathy; Familial hypertrophic cardiomyopathy 1. Identifiers: MedGen C3495498, MONDO:0008647, OMIM 192600.
Cardiovascular phenotype. Identifiers: MedGen CN230736.

Submissions (3):

Mendelics
Classification: Likely pathogenic for Hypertrophic cardiomyopathy 1. Last evaluated: 2019-05-28. Review status: criteria provided, single submitter. Criteria: Mendelics Assertion Criteria 2017. Collection method: clinical testing. Allele origin: unknown.

Ambry Genetics
Classification: Likely pathogenic for Cardiovascular phenotype. Last evaluated: 2019-03-01. Review status: criteria provided, single submitter. Criteria: Ambry Variant Classification Scheme 2023. Collection method: clinical testing. Allele origin: germline.
Comment: The p.R249L variant (also known as c.746G>T), located in coding exon 7 of the MYH7 gene, results from a G to T substitution at nucleotide position 746. The arginine at codon 249 is replaced by leucine, an amino acid with dissimilar properties. Other alterations affecting the same amino acid, p.R249Q (c.746G>A) and p.R249G (c.745C>G), have been reported in association with hypertrophic cardiomyopathy (HCM) and left ventricular non-compaction (LVNC) (Rosenzweig A et al. N. Engl. J. Med. 1991;325:1753-60; Tian T et al. Heart Vessels. 2015;30:258-64). In addition, this variant has been determined to be the result of a de novo mutation or germline mosaicism in one family with an isolated case of restrictive cardiomyopathy (Ambry internal data).This variant was not reported in population-based cohorts in the Genome Aggregation Database (gnomAD). This amino acid position is highly conserved in available vertebrate species. In addition, this alteration is predicted to be deleterious by in silico analysis. Based on the majority of available evidence to date, this variant is likely to be pathogenic.

Stanford Center for Inherited Cardiovascular Disease, Stanford University
Classification: Likely pathogenic. Last evaluated: 2017-03-23. Review status: criteria provided, single submitter. Criteria: ACMG Guidelines, 2015. Collection method: provider interpretation. Allele origin: germline.

Literature cited by the submitters: PubMed 24691700 (cited by Ambry Genetics).

NM_000257.4(MYH7):c.746G>T (p.Arg249Leu)

Gene: MYH7 (myosin heavy chain 7; minus strand). Cytogenetic location: 14q11.2.
Variant type: single nucleotide variant.
Coding change: c.746G>T on transcript NM_000257.4 (MANE Select); coding-DNA position 746, G replaced by T.
Protein change: p.Arg249Leu; replaces arginine 249 with leucine.
Molecular consequence: missense variant.
Genome position (GRCh38, 1-based): chr14:23,431,468, C>A on the plus strand (G>T on the coding strand, the complement: MYH7 is on the minus strand). VCF-style: chr14-23431468-C-A. GRCh37 (hg19) VCF-style: chr14-23900677-C-A.
Other names: c.746G>T (LRG_384t1); short protein forms R249L.
Identifiers: ClinVar variation 635223 (VCV000635223.6), dbSNP rs3218713, ClinGen allele CA389052134.